The following is an entry in ClinVar:

ClinVar aggregate classification (germline): Uncertain significance (1 of 4 stars; one submission).

Submission:

Labcorp Genetics (formerly Invitae), Labcorp
Classification: Uncertain significance. Last evaluated: 2022-06-02. Review status: criteria provided, single submitter. Criteria: Invitae Variant Classification Sherloc (09022015). Collection method: clinical testing. Allele origin: germline.
Comment: This variant is not present in population databases (gnomAD no frequency). This sequence change replaces alanine, which is neutral and non-polar, with glycine, which is neutral and non-polar, at codon 131 of the ALPK1 protein (p.Ala131Gly). This variant has not been reported in the literature in individuals affected with ALPK1-related conditions. Algorithms developed to predict the effect of missense changes on protein structure and function are either unavailable or do not agree on the potential impact of this missense change (SIFT: "Deleterious"; PolyPhen-2: "Possibly Damaging"; Align-GVGD: "Class C0"). In summary, the available evidence is currently insufficient to determine the role of this variant in disease. Therefore, it has been classified as a Variant of Uncertain Significance.

NM_025144.4(ALPK1):c.392C>G (p.Ala131Gly)

Gene: ALPK1 (alpha kinase 1; plus strand). Cytogenetic location: 4q25.
Variant type: single nucleotide variant.
Coding change: c.392C>G on transcript NM_025144.4 (MANE Select); coding-DNA position 392, C replaced by G.
Protein change: p.Ala131Gly; replaces alanine 131 with glycine.
Molecular consequence: missense variant.
Genome position (GRCh38, 1-based): chr4:112,411,942, C>G. VCF-style: chr4-112411942-C-G. GRCh37 (hg19) VCF-style: chr4-113333098-C-G.
Other names: c.392C>G, p.Ala131Gly (NM_001102406.2); c.158C>G, p.Ala53Gly (NM_001253884.2); short protein forms A131G, A53G.
Identifiers: ClinVar variation 2113060 (VCV002113060.4), dbSNP rs2476468169, ClinGen allele CA357990671.